The following is an entry in ClinVar:

NM_025215.6(PUS1):c.138G>C (p.Arg46=)

Genes: PUS1 (pseudouridine synthase 1; plus strand), LOC130009240 (ATAC-STARR-seq lymphoblastoid silent region 5107; plus strand). Cytogenetic location: 12q24.33.
Variant type: single nucleotide variant.
Coding change: c.138G>C on transcript NM_025215.6 (MANE Select); coding-DNA position 138, G replaced by C.
Protein change: p.Arg46=; no amino-acid change (arginine 46 retained).
Molecular consequence: synonymous variant.
Genome position (GRCh38, 1-based): chr12:131,929,970, G>C. VCF-style: chr12-131929970-G-C. GRCh37 (hg19) VCF-style: chr12-132414515-G-C.
Other names: c.54G>C, p.Arg18= (NM_001002019.3, NM_001002020.3).
Identifiers: ClinVar variation 4874360 (VCV004874360.2).

ClinVar aggregate classification (germline): Likely benign (1 of 4 stars; one submission).

Submission:

CeGaT Center for Human Genetics Tuebingen
Classification: Likely benign. Last evaluated: 2026-06-01. Review status: criteria provided, single submitter. Criteria: CeGaT Center For Human Genetics Tuebingen Variant Classification Criteria Version 2. Collection method: clinical testing. Allele origin: germline. Affected: yes. Observed: 1 variant allele.
Comment: PUS1: PM2:Supporting, BP4, BP7